The following is an entry in ClinVar:

ClinVar aggregate classification (germline): Uncertain significance (1 of 4 stars; one submission).

Conditions:
Pseudo-Hurler polydystrophy. Also called: MUCOLIPIDOSIS IIIA; ML III; ML III ALPHA/BETA; Type III Mucolipidosis; ML IIIA; Mucolipidosis III Alpha/Beta. Identifiers: Orphanet 423461, Orphanet 577, MedGen C0033788, MONDO:0018931, OMIM 252600.
Mucolipidosis type II. Also called: Mucolipidosis II Alpha/Beta; ML II ALPHA/BETA; Mucolipidosis 2; ML 2; Inclusion cell disease; Leroy Disease. Identifiers: Orphanet 576, MedGen C2673377, MONDO:0009650, OMIM 252500.

Submission:

Labcorp Genetics (formerly Invitae), Labcorp
Classification: Uncertain significance for Pseudo-Hurler polydystrophy; Mucolipidosis type II. Last evaluated: 2024-10-29. Review status: criteria provided, single submitter. Criteria: Invitae Variant Classification Sherloc (09022015). Collection method: clinical testing. Allele origin: germline.
Comment: This sequence change falls in intron 9 of the GNPTAB gene. It does not directly change the encoded amino acid sequence of the GNPTAB protein. It affects a nucleotide within the consensus splice site. This variant is not present in population databases (gnomAD no frequency). This variant has not been reported in the literature in individuals affected with GNPTAB-related conditions. ClinVar contains an entry for this variant (Variation ID: 2047122). Variants that disrupt the consensus splice site are a relatively common cause of aberrant splicing (PMID: 17576681, 9536098). Algorithms developed to predict the effect of sequence changes on RNA splicing suggest that this variant is not likely to affect RNA splicing. In summary, the available evidence is currently insufficient to determine the role of this variant in disease. Therefore, it has been classified as a Variant of Uncertain Significance.

Literature cited by the submitters: PubMed 17576681; PubMed 9536098.

NM_024312.5(GNPTAB):c.1113+4C>A

Gene: GNPTAB (N-acetylglucosamine-1-phosphate transferase subunits alpha and beta; minus strand). Cytogenetic location: 12q23.2.
Variant type: single nucleotide variant.
Coding change: c.1113+4C>A on transcript NM_024312.5 (MANE Select); 4 bases into the intron after coding-DNA position 1113, C replaced by A.
Molecular consequence: intron variant.
Genome position (GRCh38, 1-based): chr12:101,770,402, G>T on the plus strand (C>A on the coding strand, the complement: GNPTAB is on the minus strand). VCF-style: chr12-101770402-G-T. GRCh37 (hg19) VCF-style: chr12-102164180-G-T.
Identifiers: ClinVar variation 2047122 (VCV002047122.4), dbSNP rs1953152722, ClinGen allele CA2580085722.